The following is an entry in ClinVar:

ClinVar aggregate classification (germline): Uncertain significance (1 of 4 stars; one submission).

Submission:

GeneDx
Classification: Uncertain significance. Last evaluated: 2019-09-27. Review status: criteria provided, single submitter. Criteria: GeneDx Variant Classification Process June 2021. Collection method: clinical testing. Allele origin: germline. Affected: yes.
Comment: Not observed in large population cohorts (Lek et al., 2016); In silico analysis, which includes protein predictors and evolutionary conservation, supports that this variant does not alter protein structure/function; Has not been previously published as pathogenic or benign to our knowledge

NM_018489.3(ASH1L):c.6977A>G (p.Glu2326Gly)

Gene: ASH1L (ASH1 like histone lysine methyltransferase; minus strand). Cytogenetic location: 1q22.
Variant type: single nucleotide variant.
Coding change: c.6977A>G on transcript NM_018489.3 (MANE Select); coding-DNA position 6977, A replaced by G.
Protein change: p.Glu2326Gly; replaces glutamic acid 2326 with glycine.
Molecular consequence: missense variant.
Genome position (GRCh38, 1-based): chr1:155,357,394, T>C on the plus strand (A>G on the coding strand, the complement: ASH1L is on the minus strand). VCF-style: chr1-155357394-T-C. GRCh37 (hg19) VCF-style: chr1-155327185-T-C.
Other names: c.6992A>G, p.Glu2331Gly (NM_001366177.2); short protein forms E2326G, E2331G.
Identifiers: ClinVar variation 1318578 (VCV001318578.2), dbSNP rs2148371073, ClinGen allele CA342749650.
Genomic context (GRCh38, chr1:155,357,394, plus strand): 5'-GGCTTCATCTGTAATTGGGGGGTCAATCTAGTTGGGGTGTTGATATTTTCACTGGGTTCC[T>C]CAGAGAGATGGCCTCTCTGAAAAAGAGATGGATCAGATTAGAGATTTAAAAAAATATCAG-3'
Protein context (NP_060959.2, residues 2316-2336): KLKKRRGHLS[Glu2326Gly]EPSENINTPT